The following is an entry in ClinVar:

ClinVar aggregate classification (germline): Conflicting classifications of pathogenicity. Review status: criteria provided, conflicting classifications (1 of 4 stars). 4 submissions from 4 submitters: Uncertain significance (3); Likely benign (1). Last evaluated 2026-09-11.

Conditions:
Cardiomyopathy (CMYO). Also called: Cardiomyopathies. Identifiers: Orphanet 167848, MedGen C0878544, MONDO:0004994, HP:0001638. Inheritance: Various modes of inheritance.
Arrhythmogenic right ventricular dysplasia 8 (ARVD8). Also called: Arrhythmogenic Right Ventricular Dysplasia/Cardiomyopathy 8; ARRHYTHMOGENIC RIGHT VENTRICULAR DYSPLASIA, FAMILIAL, 8; ARRHYTHMOGENIC RIGHT VENTRICULAR CARDIOMYOPATHY 8. Identifiers: MedGen C1843896, MONDO:0011831, OMIM 607450.
Arrhythmogenic cardiomyopathy with wooly hair and keratoderma. Also called: Arrhythmogenic cardiomyopathy with woolly hair and keratoderma; PALMOPLANTAR KERATODERMA WITH LEFT VENTRICULAR CARDIOMYOPATHY AND WOOLLY HAIR; Carvajal syndrome; Dilated cardiomyopathy with woolly hair and keratoderma. Identifiers: Orphanet 65282, MedGen C1854063, MONDO:0011581, OMIM 605676.
Cardiovascular phenotype. Identifiers: MedGen CN230736.

Allele frequency attached by ClinVar (database versions not stated): TOPMed below 0.00001; ExAC 0.00001; gnomAD 0.00001; gnomAD exomes 0.00001.
gnomAD v4.1: 17 of 1,614,058 alleles (0.0011%); highest among the groups gnomAD compares: South Asian, 0.016%; 1 homozygote.

Submissions (4):

Ambry Genetics
Classification: Uncertain significance for Cardiovascular phenotype. Last evaluated: 2026-09-11. Review status: criteria provided, single submitter. Criteria: Ambry Variant Classification Scheme 2023. Collection method: clinical testing. Allele origin: germline.
Comment: The p.N1865S variant (also known as c.5594A>G), located in coding exon 24 of the DSP gene, results from an A to G substitution at nucleotide position 5594. The asparagine at codon 1865 is replaced by serine, an amino acid with highly similar properties. This amino acid position is conserved. In addition, this alteration is predicted to be tolerated by in silico analysis. Based on the available evidence, the clinical significance of this variant remains unclear.

GeneDx
Classification: Uncertain significance. Last evaluated: 2024-06-30. Review status: criteria provided, single submitter. Criteria: GeneDx Variant Classification Process June 2021. Collection method: clinical testing. Allele origin: germline. Affected: yes.
Comment: Not observed at significant frequency in large population cohorts (gnomAD); In silico analysis indicates that this missense variant does not alter protein structure/function; Has not been previously published as pathogenic or benign to our knowledge

Color Diagnostics, LLC DBA Color Health
Classification: Uncertain significance for Cardiomyopathy. Last evaluated: 2023-12-04. Review status: criteria provided, single submitter. Criteria: ACMG Guidelines, 2015. Collection method: clinical testing. Allele origin: germline.
Comment: Variant of Uncertain Significance due to insufficient evidence: This missense variant is located in the central rod domain of the DSP protein that is thought to form a dimeric coiled coil. Computational prediction tools and conservation analyses are inconclusive regarding the impact of this variant on the protein function. Computational splicing tools suggest that this variant may not impact RNA splicing. To our knowledge, functional assays have not been performed for this variant nor has this variant been reported in individuals affected with cardiovascular disorders in the literature. This variant has been identified in 2/246254 chromosomes in the general population by the Genome Aggregation Database (gnomAD). Available evidence is insufficient to determine the pathogenicity of this variant conclusively.

Labcorp Genetics (formerly Invitae), Labcorp
Classification: Likely benign for Arrhythmogenic cardiomyopathy with wooly hair and keratoderma; Arrhythmogenic right ventricular dysplasia 8. Last evaluated: 2022-12-06. Review status: criteria provided, single submitter. Criteria: Invitae Variant Classification Sherloc (09022015). Collection method: clinical testing. Allele origin: germline.

NM_004415.4(DSP):c.5594A>G (p.Asn1865Ser)

Gene: DSP (desmoplakin; plus strand). Cytogenetic location: 6p24.3.
Variant type: single nucleotide variant.
Coding change: c.5594A>G on transcript NM_004415.4 (MANE Select); coding-DNA position 5594, A replaced by G.
Protein change: p.Asn1865Ser; replaces asparagine 1865 with serine.
Molecular consequence: missense variant.
Genome position (GRCh38, 1-based): chr6:7,582,856, A>G. VCF-style: chr6-7582856-A-G. GRCh37 (hg19) VCF-style: chr6-7583089-A-G.
Other names: c.5594A>G (LRG_423t1); c.3797A>G, p.Asn1266Ser (NM_001008844.3); c.4265A>G, p.Asn1422Ser (NM_001319034.2); short protein forms N1865S, N1422S, N1266S.
Identifiers: ClinVar variation 629753 (VCV000629753.15), dbSNP rs780714982, ClinGen allele CA045299.